The following is an entry in ClinVar:

ClinVar aggregate classification (germline): Uncertain significance. Review status: criteria provided, multiple submitters, no conflicts (2 of 4 stars). 6 submissions from 6 submitters: Uncertain significance (5). 1 of the submissions does not count toward it. Last evaluated 2025-05-13.

Conditions:
Hereditary cancer-predisposing syndrome. Also called: Hereditary neoplastic syndrome; Tumor predisposition; Neoplastic Syndromes, Hereditary; Hereditary Cancer Syndrome. Identifiers: Orphanet 140162, MedGen C0027672, MeSH D009386, MONDO:0015356.
Hereditary breast ovarian cancer syndrome. Also called: Hereditary breast and ovarian cancer; Breast and ovarian cancer; BRCA1- and BRCA2-Associated Hereditary Breast and Ovarian Cancer; Hereditary breast and/or ovarian cancer syndrome; Hereditary breast and ovarian cancer syndrome (HBOC); Hereditary breast and ovarian cancer syndrome. Identifiers: Orphanet 145, MedGen C0677776, MeSH D061325, MONDO:0003582. Disease mechanism: loss of function.
BRCA1-related cancer predisposition. Identifiers: MedGen CN377757, MONDO:0700268.
Breast-ovarian cancer, familial, susceptibility to, 1 (BROVCA1). Also called: BRCA1 Hereditary Breast and Ovarian Cancer; OVARIAN CANCER, SUSCEPTIBILITY TO. Identifiers: Orphanet 145, MedGen C2676676, MONDO:0011450, OMIM 604370. Disease mechanism: loss of function.

Submissions (6):

Labcorp Genetics (formerly Invitae), Labcorp
Classification: Uncertain significance for Hereditary breast ovarian cancer syndrome. Last evaluated: 2025-05-13. Review status: criteria provided, single submitter. Criteria: Invitae Variant Classification Sherloc (09022015). Collection method: clinical testing. Allele origin: germline.
Comment: This sequence change replaces glutamine, which is neutral and polar, with arginine, which is basic and polar, at codon 1408 of the BRCA1 protein (p.Gln1408Arg). This variant is not present in population databases (gnomAD no frequency). This missense change has been observed in individual(s) with breast cancer (PMID: 30254663). ClinVar contains an entry for this variant (Variation ID: 481440). Invitae Evidence Modeling of protein sequence and biophysical properties (such as structural, functional, and spatial information, amino acid conservation, physicochemical variation, residue mobility, and thermodynamic stability) has been performed for this missense variant. However, the output from this modeling did not meet the statistical confidence thresholds required to predict the impact of this variant on BRCA1 protein function. In summary, the available evidence is currently insufficient to determine the role of this variant in disease. Therefore, it has been classified as a Variant of Uncertain Significance.

Color Diagnostics, LLC DBA Color Health
Classification: Uncertain significance for Hereditary cancer-predisposing syndrome. Last evaluated: 2024-09-30. Review status: criteria provided, single submitter. Criteria: ACMG Guidelines, 2015. Collection method: clinical testing. Allele origin: germline.
Comment: This missense variant replaces glutamine with arginine at codon 1408 of the BRCA1 protein. Computational prediction suggests that this variant may not impact protein structure and function. To our knowledge, functional studies have not been reported for this variant. This variant has been reported in a mother and daughter affected with breast and uterine cancer and breast cancer, respectively (PMID: 30254663) and in a suspected hereditary breast and ovarian cancer family (PMID: 35150867). This variant also has been detected in a breast cancer case-control meta-analysis in 0/60466 cases and 1/53461 unaffected individuals (PMID: 33471991; Leiden Open Variation Database DB-ID BRCA1_006265), and a multifactorial analysis has reported a likelihood ratio for pathogenicity based on personal and family history of 0.446 from log(LR)=-0.35045141 for 1 carrier (PMID: 31853058). This variant has not been identified in the general population by the Genome Aggregation Database (gnomAD). The available evidence is insufficient to determine the role of this variant in disease conclusively. Therefore, this variant is classified as a Variant of Uncertain Significance.

All of Us Research Program, National Institutes of Health
Classification: Uncertain significance for BRCA1-related cancer predisposition. Last evaluated: 2024-08-07. Review status: criteria provided, single submitter. Criteria: ACMG Guidelines, 2015. Collection method: clinical testing. Allele origin: germline. Inheritance: Autosomal dominant inheritance. Observed: 1 variant allele, 1 heterozygote.
Comment: This study involves interpretation of variants in research participants for the purpose of population health screening. Participant phenotype was not available at the time of variant classification. Additional details can be found in publication PMID: 35346344, PMCID: PMC8962531

Ambry Genetics
Classification: Uncertain significance for Hereditary cancer-predisposing syndrome. Last evaluated: 2023-09-01. Review status: criteria provided, single submitter. Criteria: Ambry Variant Classification Scheme 2023. Collection method: clinical testing. Allele origin: germline.
Comment: The p.Q1408R variant (also known as c.4223A>G), located in coding exon 11 of the BRCA1 gene, results from an A to G substitution at nucleotide position 4223. The glutamine at codon 1408 is replaced by arginine, an amino acid with highly similar properties. This variant was not reported in population based cohorts in the following databases: Database of Single Nucleotide Polymorphisms (dbSNP), NHLBI Exome Sequencing Project (ESP), and 1000 Genomes Project. In the ESP, this variant was not observed in 6503 samples (13006 alleles) with coverage at this position. To date, this alteration has been detected with an allele frequency of approximately 0.0004% (greater than 225000 alleles tested) in our clinical cohort. This amino acid position is well conserved in available vertebrate species. In addition, the in silico prediction for this alteration is inconclusive. Since supporting evidence is limited at this time, the clinical significance of this alteration remains unclear.

CeGaT Center for Human Genetics Tuebingen
Classification: Uncertain significance. Last evaluated: 2020-04-01. Review status: criteria provided, single submitter. Criteria: CeGaT Center For Human Genetics Tuebingen Variant Classification Criteria Version 2. Collection method: clinical testing. Allele origin: germline. Affected: yes. Observed: 1 variant allele.

Department of Medical and Surgical Sciences, University of Bologna
Classification: Uncertain significance for Breast-ovarian cancer, familial, susceptibility to, 1. Last evaluated: 2023-09-01. Review status: no assertion criteria provided. Collection method: clinical testing. Allele origin: germline. Affected: yes. Not counted in ClinVar's aggregate classification.
Comment: PM2(Supporting)+BP4(Supporting) according to ACMG/AMP classification guidelines specified for BRCA1 & BRCA2 (Classification Criteria V1.0.0 2023-09-08) (PMID: 38160042)

Literature cited by the submitters: PubMed 30254663 (cited by Labcorp Genetics (formerly Invitae), Labcorp and Color Diagnostics, LLC DBA Color Health); PubMed 31853058 (cited by Color Diagnostics, LLC DBA Color Health); PubMed 33471991 (cited by Color Diagnostics, LLC DBA Color Health); PubMed 35150867 (cited by Color Diagnostics, LLC DBA Color Health).

NM_007294.4(BRCA1):c.4223A>G (p.Gln1408Arg)

Gene: BRCA1 (BRCA1 DNA repair associated; minus strand). Cytogenetic location: 17q21.31.
Variant type: single nucleotide variant.
Coding change: c.4223A>G on transcript NM_007294.4 (MANE Select); coding-DNA position 4223, A replaced by G.
Protein change: p.Gln1408Arg; replaces glutamine 1408 with arginine.
Molecular consequence: missense variant. On other transcripts: non-coding transcript variant (1).
Genome position (GRCh38, 1-based): chr17:43,082,538, T>C on the plus strand (A>G on the coding strand, the complement: BRCA1 is on the minus strand). VCF-style: chr17-43082538-T-C. GRCh37 (hg19) VCF-style: chr17-41234555-T-C.
Other names: c.4010A>G, p.Gln1337Arg (NM_001407571.1, NM_001407898.1, NM_001407899.1 and 12 more transcripts); c.4223A>G, p.Gln1408Arg (NM_001407581.1, NM_001407582.1, NM_001407583.1 and 23 more transcripts); c.4220A>G, p.Gln1407Arg (NM_001407587.1, NM_001407590.1, NM_001407591.1 and 21 more transcripts); c.4217A>G, p.Gln1406Arg (NM_001407627.1, NM_001407628.1, NM_001407629.1 and 5 more transcripts); c.4211A>G, p.Gln1404Arg (NM_001407647.1, NM_001407646.1); c.4100A>G, p.Gln1367Arg (NM_001407648.1, NM_001407668.1, NM_001407669.1 and 13 more transcripts); c.4097A>G, p.Gln1366Arg (NM_001407649.1, NM_001407670.1, NM_001407671.1 and 12 more transcripts); c.4145A>G, p.Gln1382Arg (NM_001407653.1, NM_001407654.1, NM_001407655.1 and 2 more transcripts); and 51 more; short protein forms Q1408R, Q1361R, Q305R, Q1112R, Q1296R, Q1319R, Q1337R, Q1338R.
Identifiers: ClinVar variation 481440 (VCV000481440.58), dbSNP rs1555584227, ClinGen allele CA10593277.